The following is an entry in ClinVar:

ClinVar aggregate classification (germline): Pathogenic. Review status: criteria provided, multiple submitters, no conflicts (2 of 4 stars). 3 submissions from 3 submitters: Pathogenic (3). Last evaluated 2025-12-20.

Conditions:
Long QT syndrome (LQTS). Identifiers: MedGen C0023976, MeSH D008133, MONDO:0002442. Disease mechanism: loss of function. Inheritance: Various modes of inheritance.

Submissions (3):

Labcorp Genetics (formerly Invitae), Labcorp
Classification: Pathogenic for Long QT syndrome. Last evaluated: 2025-12-20. Review status: criteria provided, single submitter. Criteria: Invitae Variant Classification Sherloc (09022015). Collection method: clinical testing. Allele origin: germline.
Comment: This sequence change creates a premature translational stop signal (p.Thr74Argfs*32) in the KCNH2 gene. It is expected to result in an absent or disrupted protein product. Loss-of-function variants in KCNH2 are known to be pathogenic (PMID: 10973849, 19862833). This variant is not present in population databases (gnomAD no frequency). This variant has not been reported in the literature in individuals affected with KCNH2-related conditions. ClinVar contains an entry for this variant (Variation ID: 503735). For these reasons, this variant has been classified as Pathogenic.

Women's Health and Genetics/Laboratory Corporation of America, LabCorp
Classification: Pathogenic for Long QT syndrome. Last evaluated: 2024-02-20. Review status: criteria provided, single submitter. Criteria: LabCorp Variant Classification Summary - May 2015. Collection method: clinical testing. Allele origin: germline.
Comment: Variant summary: KCNH2 c.221_251del31 (p.Thr74ArgfsX32) results in a premature termination codon, predicted to cause absence of the protein due to nonsense mediated decay, which is a commonly known mechanism for disease. The variant was absent in 228884 control chromosomes (gnomAD). c.221_251del31 has been reported in the literature in individuals affected with Long QT Syndrome (e.g. Shimizu_2009). These data indicate that the variant is likely associated with disease. The following publication has been ascertained in the context of this evaluation (PMID: 19926013). ClinVar contains an entry for this variant (Variation ID: 503735). Based on the evidence outlined above, the variant was classified as pathogenic.

GeneDx
Classification: Pathogenic. Last evaluated: 2019-10-02. Review status: criteria provided, single submitter. Criteria: GeneDx Variant Classification Process June 2021. Collection method: clinical testing. Allele origin: germline. Affected: yes.
Comment: Reported in ClinVar as a pathogenic variant by another clinical laboratory (ClinVar Variant ID# 503735; Landrum et al., 2016); Not observed in large population cohorts (Lek et al., 2016); Frameshift variant predicted to result in protein truncation or nonsense mediated decay in a gene for which loss-of-function is a known mechanism of disease; This variant is associated with the following publications: (PMID: 10973849, 15840476, 19038855)

Literature cited by the submitters: PubMed 10973849 (cited by Labcorp Genetics (formerly Invitae), Labcorp); PubMed 19862833 (cited by Labcorp Genetics (formerly Invitae), Labcorp); PubMed 19926013 (cited by Women's Health and Genetics/Laboratory Corporation of America, LabCorp).

NM_000238.4(KCNH2):c.221_251del (p.Thr74fs)

Gene: KCNH2 (potassium voltage-gated channel subfamily H member 2; minus strand). Cytogenetic location: 7q36.1.
Variant type: Deletion.
Coding change: c.221_251del on transcript NM_000238.4 (MANE Select); coding-DNA positions 221 to 251, 31 bases deleted.
Protein change: p.Thr74fs; shifts the reading frame from threonine 74.
Molecular consequence: frameshift variant.
Genome position (GRCh38, 1-based): chr7:150,974,767-150,974,797, 31 bases deleted; deleting any 31 consecutive bases within chr7:150,974,767-150,974,803 gives the same sequence; the c. name uses the placement nearest the transcript's 3' end. GRCh37 (hg19): chr7:150,671,861-150,671,891.
Other names: c.221_251del31 (NM_000238.2, NM_000238.4); c.38_68del31, p.Thr15Argfs (NM_001406755.1); c.215_245del31, p.Thr74Argfs (NM_172056.3); short protein forms T74fs.
Identifiers: ClinVar variation 503735 (VCV000503735.12), dbSNP rs1554430908, ClinGen allele CA658761346.